The following is an entry in ClinVar:

NM_001384474.1(LOXHD1):c.3108C>T (p.Ala1036=)

Gene: LOXHD1 (lipoxygenase homology PLAT domains 1; minus strand). Cytogenetic location: 18q21.1.
Variant type: single nucleotide variant.
Coding change: c.3108C>T on transcript NM_001384474.1 (MANE Select); coding-DNA position 3108, C replaced by T.
Protein change: p.Ala1036=; no amino-acid change (alanine 1036 retained).
Molecular consequence: synonymous variant.
Genome position (GRCh38, 1-based): chr18:46,559,556, G>A on the plus strand (C>T on the coding strand, the complement: LOXHD1 is on the minus strand). VCF-style: chr18-46559556-G-A. GRCh37 (hg19) VCF-style: chr18-44139519-G-A.
Other names: c.3108C>T, p.Ala1036= (NM_144612.7).
Identifiers: ClinVar variation 163918 (VCV000163918.13), dbSNP rs727503145, ClinGen allele CA176640.

ClinVar aggregate classification (germline): Likely benign. Review status: criteria provided, multiple submitters, no conflicts (2 of 4 stars). 2 submissions from 2 submitters: Likely benign (2). Last evaluated 2024-01-15.

Allele frequency attached by ClinVar (database versions not stated): gnomAD 0.00001; gnomAD exomes 0.00001; TOPMed 0.00002; 1000 Genomes Project 30x 0.00016.
gnomAD v4.1: 22 of 1,551,880 alleles (0.0014%); highest among the groups gnomAD compares: African/African-American, 0.0041%; no homozygotes.

Submissions (2):

Labcorp Genetics (formerly Invitae), Labcorp
Classification: Likely benign. Last evaluated: 2024-01-15. Review status: criteria provided, single submitter. Criteria: Invitae Variant Classification Sherloc (09022015). Collection method: clinical testing. Allele origin: germline.

Laboratory for Molecular Medicine, Mass General Brigham Personalized Medicine
Classification: Likely benign. Last evaluated: 2013-11-03. Review status: criteria provided, single submitter. Criteria: LMM Criteria. Collection method: clinical testing. Allele origin: germline. Observed: 1 variant allele.
Comment: Ala1036Ala in Exon 20 of LOXHD1: This variant is not expected to have clinical s ignificance because it does not alter an amino acid residue and is not located w ithin the splice consensus sequence.